The following is an entry in ClinVar:

ClinVar aggregate classification (germline): Uncertain significance (1 of 4 stars; one submission).

Allele frequency attached by ClinVar (database versions not stated): TOPMed 0.00001; ExAC 0.00007.
gnomAD v4.1: 37 of 1,613,996 alleles (0.0023%); highest among the groups gnomAD compares: South Asian, 0.036%; no homozygotes.

Submission:

Labcorp Genetics (formerly Invitae), Labcorp
Classification: Uncertain significance. Last evaluated: 2022-09-13. Review status: criteria provided, single submitter. Criteria: Invitae Variant Classification Sherloc (09022015). Collection method: clinical testing. Allele origin: germline.
Comment: This sequence change replaces arginine, which is basic and polar, with histidine, which is basic and polar, at codon 282 of the RELB protein (p.Arg282His). This variant is present in population databases (rs759462880, gnomAD 0.04%). This variant has not been reported in the literature in individuals affected with RELB-related conditions. Algorithms developed to predict the effect of missense changes on protein structure and function output the following: SIFT: "Tolerated"; PolyPhen-2: "Benign"; Align-GVGD: "Class C0". The histidine amino acid residue is found in multiple mammalian species, which suggests that this missense change does not adversely affect protein function. In summary, the available evidence is currently insufficient to determine the role of this variant in disease. Therefore, it has been classified as a Variant of Uncertain Significance.

NM_006509.4(RELB):c.845G>A (p.Arg282His)

Gene: RELB (RELB proto-oncogene, NF-kB subunit; plus strand). Cytogenetic location: 19q13.32.
Variant type: single nucleotide variant.
Coding change: c.845G>A on transcript NM_006509.4 (MANE Select); coding-DNA position 845, G replaced by A.
Protein change: p.Arg282His; replaces arginine 282 with histidine.
Molecular consequence: missense variant.
Genome position (GRCh38, 1-based): chr19:45,025,696, G>A. VCF-style: chr19-45025696-G-A. GRCh37 (hg19) VCF-style: chr19-45528954-G-A.
Other names: c.836G>A, p.Arg279His (NM_001411087.1); short protein forms R279H, R282H.
Identifiers: ClinVar variation 2085228 (VCV002085228.4), dbSNP rs759462880, ClinGen allele CA9507665.